The following is an entry in ClinVar:

ClinVar aggregate classification (germline): Uncertain significance (1 of 4 stars; one submission).

Conditions:
Familial temporal lobe epilepsy 7. Identifiers: Orphanet 101046, MedGen C4225327, MONDO:0014639, OMIM 616436.
Norman-Roberts syndrome (LIS2). Also called: Lissencephaly 2 (Norman-Roberts type). Identifiers: Orphanet 89844, MedGen C0796089, MONDO:0009760, OMIM 257320.

Submission:

Labcorp Genetics (formerly Invitae), Labcorp
Classification: Uncertain significance for Familial temporal lobe epilepsy 7; Norman-Roberts syndrome. Last evaluated: 2024-03-07. Review status: criteria provided, single submitter. Criteria: Invitae Variant Classification Sherloc (09022015). Collection method: clinical testing. Allele origin: germline.
Comment: This sequence change replaces valine, which is neutral and non-polar, with alanine, which is neutral and non-polar, at codon 1214 of the RELN protein (p.Val1214Ala). This variant is not present in population databases (gnomAD no frequency). This variant has not been reported in the literature in individuals affected with RELN-related conditions. Advanced modeling of protein sequence and biophysical properties (such as structural, functional, and spatial information, amino acid conservation, physicochemical variation, residue mobility, and thermodynamic stability) performed at Invitae indicates that this missense variant is not expected to disrupt RELN protein function with a negative predictive value of 80%. In summary, the available evidence is currently insufficient to determine the role of this variant in disease. Therefore, it has been classified as a Variant of Uncertain Significance.

NM_005045.4(RELN):c.3641T>C (p.Val1214Ala)

Gene: RELN (reelin; minus strand). Cytogenetic location: 7q22.1.
Variant type: single nucleotide variant.
Coding change: c.3641T>C on transcript NM_005045.4 (MANE Select); coding-DNA position 3641, T replaced by C.
Protein change: p.Val1214Ala; replaces valine 1214 with alanine.
Molecular consequence: missense variant.
Genome position (GRCh38, 1-based): chr7:103,594,391, A>G on the plus strand (T>C on the coding strand, the complement: RELN is on the minus strand). VCF-style: chr7-103594391-A-G. GRCh37 (hg19) VCF-style: chr7-103234838-A-G.
Other names: c.3641T>C, p.Val1214Ala (NM_173054.3); short protein forms V1214A.
Identifiers: ClinVar variation 3755153 (VCV003755153.2).